The following is an entry in ClinVar:

NM_003060.4(SLC22A5):c.349T>C (p.Trp117Arg)

Gene: SLC22A5 (solute carrier family 22 member 5; plus strand). Cytogenetic location: 5q31.1.
Variant type: single nucleotide variant.
Coding change: c.349T>C on transcript NM_003060.4 (MANE Select); coding-DNA position 349, T replaced by C.
Protein change: p.Trp117Arg; replaces tryptophan 117 with arginine.
Molecular consequence: missense variant.
Genome position (GRCh38, 1-based): chr5:132,370,321, T>C. VCF-style: chr5-132370321-T-C. GRCh37 (hg19) VCF-style: chr5-131706013-T-C.
Other names: c.349T>C, p.Trp117Arg (NM_001308122.2); short protein forms W117R.
Identifiers: ClinVar variation 94100 (VCV000094100.18), dbSNP rs398123692, ClinGen allele CA221961.

ClinVar aggregate classification (germline): Conflicting classifications of pathogenicity. Review status: criteria provided, conflicting classifications (1 of 4 stars). 7 submissions from 7 submitters: Pathogenic (1); Likely pathogenic (1); Uncertain significance (4). 1 of the submissions does not count toward it. Last evaluated 2025-02-03.

Conditions:
Decreased circulating carnitine concentration. Also called: Decreased plasma carnitine. Identifiers: MedGen C5848230, HP:0003234.
Renal carnitine transport defect (CDSP). Also called: Systemic primary carnitine deficiency; Carnitine transporter deficiency; CARNITINE DEFICIENCY, SYSTEMIC, DUE TO DEFECT IN RENAL REABSORPTION OF CARNITINE; CARNITINE TRANSPORTER, PLASMA-MEMBRANE, DEFICIENCY OF; CARNITINE UPTAKE DEFECT; Carnitine Deficiency, Systemic. Identifiers: Orphanet 158, MedGen C0342788, MONDO:0008919, OMIM 212140.

Allele frequency attached by ClinVar (database versions not stated): gnomAD 0.00001; TOPMed 0.00001.

Submissions (7):

Labcorp Genetics (formerly Invitae), Labcorp
Classification: Pathogenic for Renal carnitine transport defect. Last evaluated: 2025-02-03. Review status: criteria provided, single submitter. Criteria: Invitae Variant Classification Sherloc (09022015). Collection method: clinical testing. Allele origin: germline.
Comment: This sequence change replaces tryptophan, which is neutral and slightly polar, with arginine, which is basic and polar, at codon 117 of the SLC22A5 protein (p.Trp117Arg). This variant is not present in population databases (gnomAD no frequency). This missense change has been observed in individual(s) with clinical features of primary carnitine deficiency (internal data). ClinVar contains an entry for this variant (Variation ID: 94100). Invitae Evidence Modeling of protein sequence and biophysical properties (such as structural, functional, and spatial information, amino acid conservation, physicochemical variation, residue mobility, and thermodynamic stability) indicates that this missense variant is expected to disrupt SLC22A5 protein function with a positive predictive value of 95%. For these reasons, this variant has been classified as Pathogenic.

Department of Genetics of Metabolic Diseases, Institute of Medical & Molecular Genetics, Hospital Universitario Hospital La Paz
Classification: Uncertain significance for Renal carnitine transport defect. Last evaluated: 2024-09-01. Review status: criteria provided, single submitter. Criteria: ACMG Guidelines, 2015. Collection method: clinical testing. Allele origin: germline. Inheritance: Autosomal recessive inheritance. Affected: yes.
Comment: The variant NM_003060.3:c.349T>C p.(Trp117Arg) in SLC22A5 is absent from controls in population databases and computational prediction tools support a deleterious effect on the gene. This variant has been observed in an individual with abnormal levels of free carnitine consistent with primary carnitine deficiency, carrying this variant along with a second likely pathogenic variant, without confirmation of phasing (PMID: Hidalgo Mayoral I et al., in press).

GeneDx
Classification: Uncertain significance. Last evaluated: 2022-07-18. Review status: criteria provided, single submitter. Criteria: GeneDx Variant Classification Process June 2021. Collection method: clinical testing. Allele origin: germline. Affected: yes.
Comment: Not observed at significant frequency in large population cohorts (gnomAD); In silico analysis supports that this missense variant has a deleterious effect on protein structure/function; Has not been previously published as pathogenic or benign to our knowledge

Genome-Nilou Lab
Classification: Uncertain significance for Renal carnitine transport defect. Last evaluated: 2021-07-15. Review status: criteria provided, single submitter. Criteria: ACMG Guidelines, 2015. Collection method: clinical testing. Allele origin: germline. Affected: no.

Eurofins Ntd Llc (ga)
Classification: Uncertain significance. Last evaluated: 2013-11-19. Review status: criteria provided, single submitter. Criteria: EGL Classification Definitions 2015. Collection method: clinical testing. Allele origin: germline. Observed: 1 variant allele, 1 heterozygote.

Kariminejad - Najmabadi Pathology & Genetics Center
Classification: Likely pathogenic for Renal carnitine transport defect. Review status: criteria provided, single submitter. Criteria: ACMG Guidelines, 2015. Collection method: clinical testing. Allele origin: germline. Affected: no.

Natera, Inc.
Classification: Uncertain significance for Carnitine deficiency. Last evaluated: 2020-12-21. Review status: no assertion criteria provided. Collection method: clinical testing. Allele origin: germline. Not counted in ClinVar's aggregate classification.

Literature cited by the submitters: PubMed 41022664 (cited by Department of Genetics of Metabolic Diseases, Institute of Medical & Molecular Genetics, Hospital Universitario Hospital La Paz).